The following is an entry in ClinVar:

ClinVar aggregate classification (germline): Pathogenic (1 of 4 stars; one submission).

Conditions:
Primary ciliary dyskinesia. Also called: Ciliary dyskinesia. Identifiers: Orphanet 244, MedGen C0008780, MONDO:0016575, HP:0012265.

Submission:

Labcorp Genetics (formerly Invitae), Labcorp
Classification: Pathogenic for Primary ciliary dyskinesia. Last evaluated: 2022-07-06. Review status: criteria provided, single submitter. Criteria: Invitae Variant Classification Sherloc (09022015). Collection method: clinical testing. Allele origin: germline.
Comment: For these reasons, this variant has been classified as Pathogenic. ClinVar contains an entry for this variant (Variation ID: 1075263). This variant has not been reported in the literature in individuals affected with DNAI1-related conditions. This variant is not present in population databases (gnomAD no frequency). This sequence change creates a premature translational stop signal (p.Pro376Leufs*26) in the DNAI1 gene. It is expected to result in an absent or disrupted protein product. Loss-of-function variants in DNAI1 are known to be pathogenic (PMID: 16858015, 29363216).

Literature cited by the submitters: PubMed 16858015; PubMed 29363216.

NM_012144.4(DNAI1):c.1127del (p.Pro376fs)

Gene: DNAI1 (dynein axonemal intermediate chain 1; plus strand). Cytogenetic location: 9p13.3.
Variant type: Deletion.
Coding change: c.1127del on transcript NM_012144.4 (MANE Select); coding-DNA position 1127, one base deleted (C; older notation c.1127delC).
Protein change: p.Pro376fs; shifts the reading frame from proline 376.
Molecular consequence: frameshift variant.
Genome position (GRCh38, 1-based): chr9:34,506,690, C deleted; the last of 3 consecutive C bases (chr9:34,506,688-34,506,690); deleting any one gives the same sequence. VCF-style (leftmost placement, unchanged base first): chr9-34506687-TC-T. GRCh37 (hg19) VCF-style: chr9-34506685-TC-T.
Other names: c.1139del, p.Pro380fs (NM_001281428.2); short protein forms P376fs, P380fs.
Identifiers: ClinVar variation 1075263 (VCV001075263.7), dbSNP rs2132076740, ClinGen allele CA2499219858.